The following is an entry in ClinVar:

ClinVar aggregate classification (germline): not provided (0 of 4 stars; one submission).

Conditions:
Hereditary spastic paraplegia 4. Also called: Spastic Paraplegia 4; Spastic paraplegia 4, autosomal dominant; Familial spastic paraplegia autosomal dominant 2. Identifiers: Orphanet 100985, MedGen C1866855, MONDO:0008438, OMIM 182601.

Submission:

ClinVar Staff, National Center for Biotechnology Information (NCBI)
No classification provided. Condition: Hereditary spastic paraplegia 4. Review status: no classification provided. Collection method: literature only. Allele origin: germline. Inheritance: Autosomal dominant inheritance. Affected: yes. Observed: 26 variant alleles, 26 heterozygotes.
Comment: Chen et al., 2022 (PubMed 34927746) report that "the c.985dupA did not promote mRNA decay but instead led to the production of two truncated mutants...which were found to have a longer half‐life than the corresponding wild‐type isoforms...Our study showed that reduced microtubule severing alone was not sufficient to account for the HSP‐SPG4 phenotypes caused by the c.985dupA mutation. Rather, the potential neurotoxicity to the corticospinal tract caused by the intracellular accumulation of truncated spastin should be considered as the pathogenesis of SPG4‐HSP."

Literature cited by the submitters: PubMed 34927746.

NM_014946.4(SPAST):c.985dup (p.Met329fs)

Gene: SPAST (spastin; plus strand). Cytogenetic location: 2p22.3.
Variant type: Duplication.
Coding change: c.985dup on transcript NM_014946.4 (MANE Select); coding-DNA position 985, one base duplicated (A; older notation c.985dupA).
Protein change: p.Met329fs; shifts the reading frame from methionine 329.
Molecular consequence: frameshift variant.
Genome position (GRCh38, 1-based): chr2:32,115,816, A duplicated; the last of 2 consecutive A bases (chr2:32,115,815-32,115,816); duplicating either gives the same sequence. VCF-style (leftmost placement, unchanged base first): chr2-32115814-T-TA. GRCh37 (hg19) VCF-style: chr2-32340883-T-TA.
Other names: c.982dup, p.Met328fs (NM_001363823.2); c.886dup, p.Met296fs (NM_001363875.2); c.889dup, p.Met297fs (NM_001377959.1, NM_199436.2); short protein forms M296fs, M297fs, M328fs, M329fs.
Identifiers: ClinVar variation 3256608 (VCV003256608.1).